The following is an entry in ClinVar:

NM_017654.4(SAMD9):c.3830T>A (p.Leu1277Gln)

Gene: SAMD9 (sterile alpha motif domain containing 9; minus strand). Cytogenetic location: 7q21.2.
Variant type: single nucleotide variant.
Coding change: c.3830T>A on transcript NM_017654.4 (MANE Select); coding-DNA position 3830, T replaced by A.
Protein change: p.Leu1277Gln; replaces leucine 1277 with glutamine.
Molecular consequence: missense variant.
Genome position (GRCh38, 1-based): chr7:93,102,268, A>T on the plus strand (T>A on the coding strand, the complement: SAMD9 is on the minus strand). VCF-style: chr7-93102268-A-T. GRCh37 (hg19) VCF-style: chr7-92731581-A-T.
Other names: c.3830T>A, p.Leu1277Gln (NM_001193307.2); short protein forms L1277Q.
Identifiers: ClinVar variation 4827021 (VCV004827021.1).

ClinVar aggregate classification (germline): Uncertain significance (1 of 4 stars; one submission).

Conditions:
Inborn genetic diseases. Identifiers: MedGen C0950123, MeSH D030342.

gnomAD v4.1: 1 of 1,613,296 alleles (0.000062%); highest among the groups gnomAD compares: Non-Finnish European, 0.000085%; no homozygotes.

Submission:

Ambry Genetics
Classification: Uncertain significance for Inborn genetic diseases. Last evaluated: 2026-03-07. Review status: criteria provided, single submitter. Criteria: Ambry Variant Classification Scheme 2023. Collection method: clinical testing. Allele origin: germline.
Comment: The p.L1277Q variant (also known as c.3830T>A), located in coding exon 1 of the SAMD9 gene, results from a T to A substitution at nucleotide position 3830. The leucine at codon 1277 is replaced by glutamine, an amino acid with dissimilar properties. This amino acid position is conserved. In addition, this alteration is predicted to be tolerated by in silico analysis. Based on the available evidence, the clinical significance of this variant remains unclear.